The following is an entry in ClinVar:

NM_014263.4(YME1L1):c.2029C>T (p.His677Tyr)

Gene: YME1L1 (YME1 like 1 ATPase; minus strand). Cytogenetic location: 10p12.1.
Variant type: single nucleotide variant.
Coding change: c.2029C>T on transcript NM_014263.4 (MANE Select); coding-DNA position 2029, C replaced by T.
Protein change: p.His677Tyr; replaces histidine 677 with tyrosine.
Molecular consequence: missense variant.
Genome position (GRCh38, 1-based): chr10:27,112,099, G>A on the plus strand (C>T on the coding strand, the complement: YME1L1 is on the minus strand). VCF-style: chr10-27112099-G-A. GRCh37 (hg19) VCF-style: chr10-27401028-G-A.
Other names: c.1930C>T, p.His644Tyr (NM_001253866.2); c.2200C>T, p.His734Tyr (NM_139312.3); short protein forms H734Y, H677Y, H644Y.
Identifiers: ClinVar variation 2042987 (VCV002042987.4), dbSNP rs2056764472, ClinGen allele CA376365944.

ClinVar aggregate classification (germline): Uncertain significance (1 of 4 stars; one submission).

Submission:

Labcorp Genetics (formerly Invitae), Labcorp
Classification: Uncertain significance. Last evaluated: 2026-01-12. Review status: criteria provided, single submitter. Criteria: Invitae Variant Classification Sherloc (09022015). Collection method: clinical testing. Allele origin: germline.
Comment: This sequence change replaces histidine, which is basic and polar, with tyrosine, which is neutral and polar, at codon 734 of the YME1L1 protein (p.His734Tyr). This variant is not present in population databases (gnomAD no frequency). This variant has not been reported in the literature in individuals affected with YME1L1-related conditions. ClinVar contains an entry for this variant (Variation ID: 2042987). An algorithm developed to predict the effect of missense changes on protein structure and function (PolyPhen-2) suggests that this variant is likely to be tolerated. In summary, the available evidence is currently insufficient to determine the role of this variant in disease. Therefore, it has been classified as a Variant of Uncertain Significance.